The following is an entry in ClinVar:

NM_003024.3(ITSN1):c.604C>T (p.Gln202Ter)

Gene: ITSN1 (intersectin 1; plus strand). Cytogenetic location: 21q22.11.
Variant type: single nucleotide variant.
Coding change: c.604C>T on transcript NM_003024.3 (MANE Select); coding-DNA position 604, C replaced by T.
Protein change: p.Gln202Ter; replaces glutamine 202 with a stop codon.
Molecular consequence: nonsense.
Genome position (GRCh38, 1-based): chr21:33,751,887, C>T. VCF-style: chr21-33751887-C-T. GRCh37 (hg19) VCF-style: chr21-35124192-C-T.
Other names: c.604C>T, p.Gln202Ter (NM_001001132.2, NM_001331008.2, NM_001331009.2 and 2 more transcripts); c.493C>T, p.Gln165Ter (NM_001331012.2); short protein forms Q165*, Q202*.
Identifiers: ClinVar variation 5036909 (VCV005036909.1).

ClinVar aggregate classification (germline): Pathogenic (1 of 4 stars; one submission).

Submission:

GeneDx
Classification: Pathogenic. Last evaluated: 2026-04-20. Review status: criteria provided, single submitter. Criteria: GeneDx Variant Classification Process June 2021. Collection method: clinical testing. Allele origin: germline.
Comment: Nonsense variant predicted to result in protein truncation or nonsense mediated decay in a gene for which loss of function is a known mechanism of disease; Not observed at significant frequency in large population cohorts (gnomAD); Has not been previously published as pathogenic or benign to our knowledge